The following is an entry in ClinVar:

ClinVar aggregate classification (germline): Uncertain significance (1 of 4 stars; one submission).

Conditions:
Absence seizure. Also called: Absence epilepsy. Identifiers: Orphanet 1941, MedGen C0014553.
Myoclonic epilepsy, juvenile, susceptibility to, 1. Also called: Myoclonic Epilepsy, Juvenile, 1; EJM1. Identifiers: MedGen C1850778, MONDO:0020752, OMIM 254770.

Submission:

Labcorp Genetics (formerly Invitae), Labcorp
Classification: Uncertain significance for Myoclonic epilepsy, juvenile, susceptibility to, 1; Absence seizure. Last evaluated: 2024-03-16. Review status: criteria provided, single submitter. Criteria: Invitae Variant Classification Sherloc (09022015). Collection method: clinical testing. Allele origin: germline.
Comment: This sequence change creates a premature translational stop signal (p.Gln218*) in the EFHC1 gene. It is expected to result in an absent or disrupted protein product. However, the current clinical and genetic evidence is not sufficient to establish whether loss-of-function variants in EFHC1 cause disease. This variant is present in population databases (rs769481462, gnomAD 0.008%). This variant has not been reported in the literature in individuals affected with EFHC1-related conditions. In summary, the available evidence is currently insufficient to determine the role of this variant in disease. Therefore, it has been classified as a Variant of Uncertain Significance.

NM_018100.4(EFHC1):c.652C>T (p.Gln218Ter)

Gene: EFHC1 (EF-hand domain containing 1; plus strand). Cytogenetic location: 6p12.2.
Variant type: single nucleotide variant.
Coding change: c.652C>T on transcript NM_018100.4 (MANE Select); coding-DNA position 652, C replaced by T.
Protein change: p.Gln218Ter; replaces glutamine 218 with a stop codon.
Molecular consequence: nonsense. On other transcripts: non-coding transcript variant (1).
Genome position (GRCh38, 1-based): chr6:52,452,766, C>T. VCF-style: chr6-52452766-C-T. GRCh37 (hg19) VCF-style: chr6-52317564-C-T.
Other names: c.595C>T, p.Gln199Ter (NM_001172420.2); short protein forms Q199*, Q218*.
Identifiers: ClinVar variation 3761726 (VCV003761726.2).